The following is an entry in ClinVar:

NM_173560.4(RFX6):c.511C>T (p.Arg171Cys)

Gene: RFX6 (regulatory factor X6; plus strand). Cytogenetic location: 6q22.1.
Variant type: single nucleotide variant.
Coding change: c.511C>T on transcript NM_173560.4 (MANE Select); coding-DNA position 511, C replaced by T.
Protein change: p.Arg171Cys; replaces arginine 171 with cysteine.
Molecular consequence: missense variant.
Genome position (GRCh38, 1-based): chr6:116,882,373, C>T. VCF-style: chr6-116882373-C-T. GRCh37 (hg19) VCF-style: chr6-117203536-C-T.
Other names: short protein forms R171C.
Identifiers: ClinVar variation 3365045 (VCV003365045.1).

ClinVar aggregate classification (germline): Uncertain significance (1 of 4 stars; one submission).

gnomAD v4.1: 4 of 1,611,998 alleles (0.00025%); highest among the groups gnomAD compares: Admixed American, 0.0017%; no homozygotes.

Submission:

GeneDx
Classification: Uncertain significance. Last evaluated: 2024-04-17. Review status: criteria provided, single submitter. Criteria: GeneDx Variant Classification Process June 2021. Collection method: clinical testing. Allele origin: germline. Affected: yes.
Comment: Not observed at significant frequency in large population cohorts (gnomAD); In silico analysis supports that this missense variant has a deleterious effect on protein structure/function; Has not been previously published as pathogenic or benign to our knowledge